The following is an entry in ClinVar:

ClinVar aggregate classification (germline): Uncertain significance (1 of 4 stars; one submission).

gnomAD v4.1: 2 of 1,614,076 alleles (0.00012%); highest among the groups gnomAD compares: Middle Eastern, 0.033%; no homozygotes.

Submission:

Ambry Genetics
Classification: Uncertain significance. Last evaluated: 2022-12-19. Review status: criteria provided, single submitter. Criteria: Ambry Variant Classification Scheme 2023. Collection method: clinical testing. Allele origin: germline.
Comment: The p.A250T variant (also known as c.748G>A), located in coding exon 1 of the PALLD gene, results from a G to A substitution at nucleotide position 748. The alanine at codon 250 is replaced by threonine, an amino acid with similar properties. This amino acid position is conserved. In addition, this alteration is predicted to be tolerated by in silico analysis. Since supporting evidence is limited at this time, the clinical significance of this alteration remains unclear.

NM_001166108.2(PALLD):c.748G>A (p.Ala250Thr)

Gene: PALLD (palladin, cytoskeletal associated protein; plus strand). Cytogenetic location: 4q32.3.
Variant type: single nucleotide variant.
Coding change: c.748G>A on transcript NM_001166108.2 (MANE Select); coding-DNA position 748, G replaced by A.
Protein change: p.Ala250Thr; replaces alanine 250 with threonine.
Molecular consequence: missense variant.
Genome position (GRCh38, 1-based): chr4:168,512,252, G>A. VCF-style: chr4-168512252-G-A. GRCh37 (hg19) VCF-style: chr4-169433403-G-A.
Other names: c.748G>A, p.Ala250Thr (NM_016081.4); short protein forms A250T.
Identifiers: ClinVar variation 2448465 (VCV002448465.2), dbSNP rs2531436263, ClinGen allele CA358728201.
Genomic context (GRCh38, chr4:168,512,252, plus strand): 5'-ATGGAAAGAGAGGTCAAGTCCCCTGGGGCCAGGCATTGCTACCAGGACAACCAGGACTTG[G>A]CAGTGCCACACAACCGCAAGTCTCACCCACAGCCCCACAGCGCCCTCCACTTCCCAGCTG-3'
Protein context (NP_001159580.1, residues 240-260): RHCYQDNQDL[Ala250Thr]VPHNRKSHPQ